The following is an entry in ClinVar:

ClinVar aggregate classification (germline): Uncertain significance. Review status: criteria provided, multiple submitters, no conflicts (2 of 4 stars). 6 submissions from 6 submitters: Uncertain significance (6). Last evaluated 2025-10-20.

Conditions:
DiGeorge syndrome. Also called: Catch22; THIRD AND FOURTH PHARYNGEAL POUCH SYNDROME. Identifiers: Orphanet 567, MedGen C0012236, MONDO:0008564, OMIM 188400.
Velocardiofacial syndrome (VCFS). Also called: SHPRINTZEN VCF SYNDROME; VCF SYNDROME; Shprintzen syndrome. Identifiers: Orphanet 567, MedGen C0220704, MONDO:0008644, OMIM 192430. Disease mechanism: loss of function.
Conotruncal heart malformations (CTHM). Also called: Conotruncal heart malformations, variable. Identifiers: Orphanet 2445, Orphanet 3384, Orphanet 3426, MedGen C1857586, MONDO:0016581, OMIM 217095.
Tetralogy of Fallot (TOF). Identifiers: Orphanet 3303, MedGen C0039685, MONDO:0008542, OMIM 187500, HP:0001636.

Allele frequency attached by ClinVar (database versions not stated): TOPMed 0.00009; gnomAD 0.00020.
gnomAD v4.1: 25 of 1,442,524 alleles (0.0017%); highest among the groups gnomAD compares: African/African-American, 0.028%; no homozygotes.

Submissions (6):

Labcorp Genetics (formerly Invitae), Labcorp
Classification: Uncertain significance for DiGeorge syndrome. Last evaluated: 2025-10-20. Review status: criteria provided, single submitter. Criteria: Invitae Variant Classification Sherloc (09022015). Collection method: clinical testing. Allele origin: germline.
Comment: This sequence change replaces proline, which is neutral and non-polar, with leucine, which is neutral and non-polar, at codon 396 of the TBX1 protein (p.Pro396Leu). The frequency data for this variant in the population databases is considered unreliable, as metrics indicate poor data quality at this position in the gnomAD database. This missense change has been observed in individual(s) with clinical features of TXB1-related conditions (PMID: 11748311). ClinVar contains an entry for this variant (Variation ID: 803643). An algorithm developed to predict the effect of missense changes on protein structure and function (PolyPhen-2) suggests that this variant is likely to be disruptive. In summary, the available evidence is currently insufficient to determine the role of this variant in disease. Therefore, it has been classified as a Variant of Uncertain Significance.

Dasa
Classification: Uncertain significance. Last evaluated: 2025-05-31. Review status: criteria provided, single submitter. Criteria: DASA Assertion Criteria. Collection method: clinical testing. Allele origin: germline.
Comment: NM_001379200.1(TBX1):c.1214C>T (p.Pro405Leu) is a missense variant that results in the substitution of proline with leucine. This variant is rare in population databases. The currently available literature and clinical evidence are not sufficient to establish a definitive association between this variant and the reported condition. Therefore, this variant is classified as a variant of uncertain significance.

Greenwood Genetic Center Diagnostic Laboratories, Greenwood Genetic Center
Classification: Uncertain significance. Last evaluated: 2022-02-28. Review status: criteria provided, single submitter. Criteria: ACMG Guidelines, 2015. Collection method: clinical testing. Allele origin: germline. Affected: yes.
Comment: BP4

Fulgent Genetics
Classification: Uncertain significance for Tetralogy of Fallot; DiGeorge syndrome; Velocardiofacial syndrome; Conotruncal heart malformations. Last evaluated: 2021-07-28. Review status: criteria provided, single submitter. Criteria: ACMG Guidelines, 2015. Collection method: clinical testing. Allele origin: unknown.

Mendelics
Classification: Uncertain significance for DiGeorge syndrome. Last evaluated: 2019-05-28. Review status: criteria provided, single submitter. Criteria: Mendelics Assertion Criteria 2017. Collection method: clinical testing. Allele origin: unknown.

Genetic Services Laboratory, University of Chicago
Classification: Uncertain significance. Last evaluated: 2019-05-08. Review status: criteria provided, single submitter. Criteria: ACMG Guidelines, 2015. Collection method: clinical testing. Allele origin: germline. Affected: no.

Literature cited by the submitters: PubMed 11748311 (cited by Labcorp Genetics (formerly Invitae), Labcorp).

NM_001379200.1(TBX1):c.1214C>T (p.Pro405Leu)

Gene: TBX1 (T-box transcription factor 1; plus strand). Cytogenetic location: 22q11.21.
Variant type: single nucleotide variant.
Coding change: c.1214C>T on transcript NM_001379200.1 (MANE Select); coding-DNA position 1214, C replaced by T.
Protein change: p.Pro405Leu; replaces proline 405 with leucine.
Molecular consequence: missense variant. On other transcripts: intron variant (2).
Genome position (GRCh38, 1-based): chr22:19,766,566, C>T. VCF-style: chr22-19766566-C-T. GRCh37 (hg19) VCF-style: chr22-19754089-C-T.
Other names: c.1187C>T, p.Pro396Leu (NM_080647.1); c.1009+564C>T (NM_005992.1, NM_080646.2); short protein forms P396L, P405L.
Identifiers: ClinVar variation 803643 (VCV000803643.16), dbSNP rs746812421, ClinGen allele CA10102668.